The following is an entry in ClinVar:

NM_001129.5(AEBP1):c.587A>C (p.Gln196Pro)

Gene: AEBP1 (AE binding protein 1; plus strand). Cytogenetic location: 7p13.
Variant type: single nucleotide variant.
Coding change: c.587A>C on transcript NM_001129.5 (MANE Select); coding-DNA position 587, A replaced by C.
Protein change: p.Gln196Pro; replaces glutamine 196 with proline.
Molecular consequence: missense variant.
Genome position (GRCh38, 1-based): chr7:44,106,879, A>C. VCF-style: chr7-44106879-A-C. GRCh37 (hg19) VCF-style: chr7-44146478-A-C.
Other names: short protein forms Q196P.
Identifiers: ClinVar variation 1445242 (VCV001445242.5), dbSNP rs767818858, ClinGen allele CA4237511.
Genomic context (GRCh38, chr7:44,106,879, plus strand): 5'-CAGAAACCCTGGAGTGGCCACTGCCCCCACCCCCCAGCCCTGGCCCCGAGGAGCTACCCC[A>C]GGAGGGAGGTTTGTGCCGGGCTCCTCTGGGGTGATGGGGCTCTGACTGCCTGCTCGGGTG-3'
Protein context (NP_001120.3, residues 186-206): PPSPGPEELP[Gln196Pro]EGGAPLSNNW

ClinVar aggregate classification (germline): Uncertain significance (1 of 4 stars; one submission).

Allele frequency attached by ClinVar (database versions not stated): gnomAD 0.00003 and 0.00006; TOPMed 0.00004; gnomAD exomes 0.00010 and 0.00015; ExAC 0.00026.

Submission:

Labcorp Genetics (formerly Invitae), Labcorp
Classification: Uncertain significance. Last evaluated: 2024-07-27. Review status: criteria provided, single submitter. Criteria: Invitae Variant Classification Sherloc (09022015). Collection method: clinical testing. Allele origin: germline.
Comment: This sequence change replaces glutamine, which is neutral and polar, with proline, which is neutral and non-polar, at codon 196 of the AEBP1 protein (p.Gln196Pro). This variant is present in population databases (rs767818858, gnomAD 0.08%). This variant has not been reported in the literature in individuals affected with AEBP1-related conditions. ClinVar contains an entry for this variant (Variation ID: 1445242). An algorithm developed to predict the effect of missense changes on protein structure and function outputs the following: PolyPhen-2: "Not Available". The proline amino acid residue is found in multiple mammalian species, which suggests that this missense change does not adversely affect protein function. In summary, the available evidence is currently insufficient to determine the role of this variant in disease. Therefore, it has been classified as a Variant of Uncertain Significance.